The following is an entry in ClinVar:

NM_000834.5(GRIN2B):c.2454G>A (p.Met818Ile)

Gene: GRIN2B (glutamate ionotropic receptor NMDA type subunit 2B; minus strand). Cytogenetic location: 12p13.1.
Variant type: single nucleotide variant.
Coding change: c.2454G>A on transcript NM_000834.5 (MANE Select); coding-DNA position 2454, G replaced by A.
Protein change: p.Met818Ile; replaces methionine 818 with isoleucine.
Molecular consequence: missense variant.
Genome position (GRCh38, 1-based): chr12:13,567,169, C>T on the plus strand (G>A on the coding strand, the complement: GRIN2B is on the minus strand). VCF-style: chr12-13567169-C-T. GRCh37 (hg19) VCF-style: chr12-13720103-C-T.
Other names: short protein forms M818I.
Identifiers: ClinVar variation 1685341 (VCV001685341.3), dbSNP rs2136409777, ClinGen allele CA383996406.

ClinVar aggregate classification (germline): Likely pathogenic. Review status: criteria provided, multiple submitters, no conflicts (2 of 4 stars). 2 submissions from 2 submitters: Likely pathogenic (2). Last evaluated 2024-11-26.

Conditions:
Intellectual developmental disorder, autosomal dominant 6, with or without seizures. Also called: GRIN2B-related developmental delay, intellectual disability and autism spectrum disorder; Intellectual disability, autosomal dominant 6. Identifiers: Orphanet 589547, MedGen C3151411, MONDO:0013509, OMIM 613970.
Complex neurodevelopmental disorder. Identifiers: Orphanet 528084, MedGen C5568766, MONDO:0100038.

Submissions (2):

Victorian Clinical Genetics Services, Murdoch Childrens Research Institute
Classification: Likely pathogenic for Complex neurodevelopmental disorder. Last evaluated: 2024-11-26. Review status: criteria provided, single submitter. Criteria: ACMG Guidelines, 2015. Collection method: clinical testing. Allele origin: germline. Affected: yes.
Comment: This variant is classified as Likely pathogenic. Evidence in support of pathogenic classification: Variant is absent from gnomAD (v2, v3 and v4); This variant has limited previous evidence of pathogenicity in an individual(s). This variant has been classified as likely pathogenic by a clinical laboratory in ClinVar; Other missense variant(s) comparable to the one identified in this case have moderate previous evidence for pathogenicity. Multiple comparable amino acid changes have been classified as likely pathogenic and pathogenic, as well as one VUS entry (ClinVar, personal communication). Electrophysiologic recordings have also shown p.(Met818Val) enhances agonist potency compared to wildtype (PMID: 28126851); Missense variant in a region that is highly intolerant to missense variation (high constraint region in DECIPHER); Additional information: Variant is predicted to result in a missense amino acid change from methionine to isoleucine; This variant is heterozygous; This gene is associated with autosomal dominant disease; No published segregation evidence has been identified for this variant; No published functional evidence has been identified for this variant; Missense variant with conflicting in silico predictions and uninformative conservation; Loss of function and gain of function are known mechanisms of disease in this gene and are associated with complex neurodevelopmental disorder (MONDO:0100038), GRIN2B-related. Protein truncating variants have a loss of function mechanism, whereas missense variants have been proven to have a gain of function mechanism; Variants in this gene are known to have variable expressivity. The severity of clinical features varies (PMID: 28377535).

Mendelics
Classification: Likely pathogenic for Intellectual developmental disorder, autosomal dominant 6, with or without seizures. Last evaluated: 2022-05-04. Review status: criteria provided, single submitter. Criteria: Mendelics Assertion Criteria 2019. Collection method: clinical testing. Allele origin: germline.

Literature cited by the submitters: PubMed 28377535 (cited by Victorian Clinical Genetics Services, Murdoch Childrens Research Institute); PubMed 28126851 (cited by Victorian Clinical Genetics Services, Murdoch Childrens Research Institute).